The following is an entry in ClinVar:

ClinVar aggregate classification (germline): Pathogenic (1 of 4 stars; one submission).

Conditions:
Familial adenomatous polyposis 2. Also called: COLORECTAL ADENOMATOUS POLYPOSIS, AUTOSOMAL RECESSIVE; ADENOMAS, MULTIPLE COLORECTAL, AUTOSOMAL RECESSIVE; MUTYH-associated polyposis; FAP type 2; MUTYH-related attenuated familial adenomatous polyposis; Adenomas, multiple colorectal. Identifiers: Orphanet 220460, Orphanet 247798, MedGen C3272841, MONDO:0012041, OMIM 608456.

Submission:

Labcorp Genetics (formerly Invitae), Labcorp
Classification: Pathogenic for MYH-associated polyposis. Last evaluated: 2019-02-18. Review status: criteria provided, single submitter. Criteria: Invitae Variant Classification Sherloc (09022015). Collection method: clinical testing. Allele origin: germline.
Comment: This variant is a deletion of the genomic region encompassing exon 2-7 and part of exon 8 (c.37-1317_667del) of the MUTYH gene. It is expected to disrupt RNA splicing and likely results in an absent or disrupted protein product. This variant has not been reported in the literature in individuals with MUTYH-related disease. ClinVar contains an entry for this variant (Variation ID: 464717). This variant disrupts the p.Tyr179 amino acid residue in MUTYH. Other variant(s) that disrupt this residue have been observed in affected individuals (PMID: 19732775, 21520333, 23035301, 12606733, 16557584, 17489848), suggesting that it is a clinically significant residue. As a result, variants that disrupt this residue are likely to be causative of disease For these reasons, this variant has been classified as Pathogenic.

Literature cited by the submitters: PubMed 19732775; PubMed 16557584; PubMed 23035301; PubMed 17489848; PubMed 21520333; PubMed 12606733.

NM_001048174.2(MUTYH):c.-6-1317_583del

Gene: MUTYH (mutY DNA glycosylase; minus strand). Cytogenetic location: 1p34.1.
Variant type: Deletion.
Coding change: c.-6-1317_583del on transcript NM_001048174.2 (MANE Select); 1317 bases into the intron before 6 bases upstream of the start codon through coding-DNA position 583, 3,232 bases deleted.
Molecular consequence: splice acceptor variant, splice donor variant, initiator codon variant.
Genome position (GRCh38, 1-based): chr1:45,332,597-45,335,828, 3,232 bases deleted. GRCh37 (hg19): chr1:45,798,269-45,801,500.
Other names: c.-213-1317_238del (NM_001350651.2); c.-218-1317_307del (NM_001293192.2, NM_001293196.2); c.-277-1317_238del (NM_001350650.2); c.-6-1317_583del (NM_001048171.2, NM_001048173.2, NM_001293195.2); c.37-1317_628del (NM_001293190.2); c.37-1317_658del (NM_012222.3); c.37-1317_667del (NM_001128425.2); c.-6-1317_586del (NM_001048172.2); and 1 more.
Identifiers: ClinVar variation 464717 (VCV000464717.4), ClinGen allele CA658656926.